The following is an entry in ClinVar:

NM_021008.4(DEAF1):c.1061C>T (p.Thr354Met)

Gene: DEAF1 (DEAF1 transcription factor; minus strand). Cytogenetic location: 11p15.5.
Variant type: single nucleotide variant.
Coding change: c.1061C>T on transcript NM_021008.4 (MANE Select); coding-DNA position 1061, C replaced by T.
Protein change: p.Thr354Met; replaces threonine 354 with methionine.
Molecular consequence: missense variant.
Genome position (GRCh38, 1-based): chr11:679,753, G>A on the plus strand (C>T on the coding strand, the complement: DEAF1 is on the minus strand). VCF-style: chr11-679753-G-A. GRCh37 (hg19) VCF-style: chr11-679753-G-A.
Other names: c.794C>T, p.Thr265Met (NM_001293634.2); c.335C>T, p.Thr112Met (NM_001367390.1); short protein forms T112M, T265M, T354M.
Identifiers: ClinVar variation 2419942 (VCV002419942.6), dbSNP rs368901164, ClinGen allele CA5786336.

ClinVar aggregate classification (germline): Uncertain significance (1 of 4 stars; one submission).

Allele frequency attached by ClinVar (database versions not stated): ExAC 0.00001; gnomAD exomes 0.00001.
gnomAD v4.1: 7 of 1,613,838 alleles (0.00043%); highest among the groups gnomAD compares: South Asian, 0.0011%; no homozygotes.

Submission:

Labcorp Genetics (formerly Invitae), Labcorp
Classification: Uncertain significance. Last evaluated: 2024-10-28. Review status: criteria provided, single submitter. Criteria: Invitae Variant Classification Sherloc (09022015). Collection method: clinical testing. Allele origin: germline.
Comment: This sequence change replaces threonine, which is neutral and polar, with methionine, which is neutral and non-polar, at codon 354 of the DEAF1 protein (p.Thr354Met). This variant is present in population databases (rs368901164, gnomAD 0.003%). This variant has not been reported in the literature in individuals affected with DEAF1-related conditions. ClinVar contains an entry for this variant (Variation ID: 2419942). Invitae Evidence Modeling of protein sequence and biophysical properties (such as structural, functional, and spatial information, amino acid conservation, physicochemical variation, residue mobility, and thermodynamic stability) has been performed for this missense variant. However, the output from this modeling did not meet the statistical confidence thresholds required to predict the impact of this variant on DEAF1 protein function. In summary, the available evidence is currently insufficient to determine the role of this variant in disease. Therefore, it has been classified as a Variant of Uncertain Significance.